The following is an entry in ClinVar:

NM_016239.4(MYO15A):c.6273+1G>A

Gene: MYO15A (myosin XVA; plus strand). Cytogenetic location: 17p11.2.
Variant type: single nucleotide variant.
Coding change: c.6273+1G>A on transcript NM_016239.4 (MANE Select); the canonical splice donor site of the intron after coding-DNA position 6273, G replaced by A.
Molecular consequence: splice donor variant.
Genome position (GRCh38, 1-based): chr17:18,144,593, G>A. VCF-style: chr17-18144593-G-A. GRCh37 (hg19) VCF-style: chr17-18047907-G-A.
Identifiers: ClinVar variation 3370464 (VCV003370464.2).
Genomic context (GRCh38, chr17:18,144,593, plus strand): 5'-ACACCCCTCACGCAGCTGCCAGCCGAGCACCATGCAGAAGCCGTGAGCATCTTCAAGCTG[G>A]TATGGGGTCTGCCCCAGCCCACCTTCTAATTCTTAGCCCCTGGCCCTGAAACTGGGCCAT-3'

ClinVar aggregate classification (germline): Pathogenic/Likely pathogenic. Review status: criteria provided, multiple submitters, no conflicts (2 of 4 stars). 2 submissions from 2 submitters: Pathogenic (1); Likely pathogenic (1). Last evaluated 2024-11-02.

Conditions:
Autosomal recessive nonsyndromic hearing loss 3. Also called: NEUROSENSORY NONSYNDROMIC RECESSIVE DEAFNESS 3. Identifiers: Orphanet 90636, MedGen C1838263, MONDO:0010860, OMIM 600316.

Submissions (2):

ENT and Head and Neck Research Center and Department,  The Five Senses Health Institute, Iran University of Medical Sciences
Classification: Pathogenic for Autosomal recessive nonsyndromic hearing loss 3. Last evaluated: 2024-11-02. Review status: criteria provided, single submitter. Criteria: ClinGen HL ACMG Specifications v1. Collection method: clinical testing. Allele origin: germline. Affected: yes.
Comment: PVS1: Null variant (intronic within ±2 of splice site) in gene MYO15A. Loss-of-function is a known mechanism of disease (gene has 448 reported pathogenic LOF variants)., PM2: Variant not found in gnom AD genomes, good gnomAD genomes coverage = 30.1, PP5: Combined evidence strength is Supporting (score = 1).Supporting: a VarSome user has classified this variant as Pathogenic (automatically lifted-over from chr17:18047907 G⇒A on hg19), citing 27344577 .

Kariminejad - Najmabadi Pathology & Genetics Center
Classification: Likely pathogenic for Autosomal recessive nonsyndromic hearing loss 3. Review status: criteria provided, single submitter. Criteria: ACMG Guidelines, 2015. Collection method: clinical testing. Allele origin: germline. Affected: no.

Literature cited by the submitters: DOI 10.1038/s41598-025-99417-7 (cited by ENT and Head and Neck Research Center and Department,  The Five Senses Health Institute, Iran University of Medical Sciences).